The following is an entry in ClinVar:

ClinVar aggregate classification (germline): Uncertain significance (1 of 4 stars; one submission).

Submission:

Ambry Genetics
Classification: Uncertain significance. Last evaluated: 2026-07-25. Review status: criteria provided, single submitter. Criteria: Ambry Variant Classification Scheme 2023. Collection method: clinical testing. Allele origin: germline.
Comment: The p.M50I variant (also known as c.150G>A), located in coding exon 2 of the FAM175A gene, results from a G to A substitution at nucleotide position 150. The methionine at codon 50 is replaced by isoleucine, an amino acid with highly similar properties. This amino acid position is conserved. In addition, the in silico prediction for this alteration is inconclusive. Based on the available evidence, the clinical significance of this variant remains unclear.

NM_139076.3(ABRAXAS1):c.150G>A (p.Met50Ile)

Gene: ABRAXAS1 (abraxas 1, BRCA1 A complex subunit; minus strand). Cytogenetic location: 4q21.23.
Variant type: single nucleotide variant.
Coding change: c.150G>A on transcript NM_139076.3 (MANE Select); coding-DNA position 150, G replaced by A.
Protein change: p.Met50Ile; replaces methionine 50 with isoleucine.
Molecular consequence: missense variant. On other transcripts: 5 prime UTR variant (1).
Genome position (GRCh38, 1-based): chr4:83,482,182, C>T on the plus strand (G>A on the coding strand, the complement: ABRAXAS1 is on the minus strand). VCF-style: chr4-83482182-C-T. GRCh37 (hg19) VCF-style: chr4-84403335-C-T.
Other names: c.-111G>A (NM_001345962.2); short protein forms M50I.
Identifiers: ClinVar variation 5028751 (VCV005028751.1).